The following is an entry in ClinVar:

ClinVar aggregate classification (germline): Uncertain significance. Review status: criteria provided, multiple submitters, no conflicts (2 of 4 stars). 2 submissions from 2 submitters: Uncertain significance (2). Last evaluated 2026-01-30.

Conditions:
Spastic paraplegia. Identifiers: MedGen C0037772, HP:0001258.
KDM5C-related disorder. Also called: KDM5C-related condition.

gnomAD v4.1: 5 of 1,206,930 alleles (0.00041%); highest among the groups gnomAD compares: African/African-American, 0.0035%; no homozygotes.

Submissions (2):

PreventionGenetics, part of Exact Sciences
Classification: Uncertain significance for KDM5C-related condition. Last evaluated: 2026-01-30. Review status: criteria provided, single submitter. Criteria: ACMG Guidelines, 2015. Collection method: clinical testing. Allele origin: germline.
Comment: The KDM5C c.4375C>T variant is predicted to result in the amino acid substitution p.Arg1459Trp. To our knowledge, this variant has not been reported in the literature. This variant is reported in 0.0081% of alleles in individuals of African descent in gnomAD, including in hemizygous individuals of unknown phenotype. Although we suspect that this variant may be benign, at this time, the clinical significance of this variant is uncertain due to the absence of conclusive functional and genetic evidence.

Labcorp Genetics (formerly Invitae), Labcorp
Classification: Uncertain significance for Spastic paraplegia. Last evaluated: 2025-02-09. Review status: criteria provided, single submitter. Criteria: Invitae Variant Classification Sherloc (09022015). Collection method: clinical testing. Allele origin: germline.
Comment: This sequence change replaces arginine, which is basic and polar, with tryptophan, which is neutral and slightly polar, at codon 1459 of the KDM5C protein (p.Arg1459Trp). The frequency data for this variant in the population databases is considered unreliable, as metrics indicate poor data quality at this position in the gnomAD database. This variant has not been reported in the literature in individuals affected with KDM5C-related conditions. Invitae Evidence Modeling of protein sequence and biophysical properties (such as structural, functional, and spatial information, amino acid conservation, physicochemical variation, residue mobility, and thermodynamic stability) has been performed for this missense variant. However, the output from this modeling did not meet the statistical confidence thresholds required to predict the impact of this variant on KDM5C protein function. In summary, the available evidence is currently insufficient to determine the role of this variant in disease. Therefore, it has been classified as a Variant of Uncertain Significance.

NM_004187.5(KDM5C):c.4375C>T (p.Arg1459Trp)

Gene: KDM5C (lysine demethylase 5C; minus strand). Cytogenetic location: Xp11.22.
Variant type: single nucleotide variant.
Coding change: c.4375C>T on transcript NM_004187.5 (MANE Select); coding-DNA position 4375, C replaced by T.
Protein change: p.Arg1459Trp; replaces arginine 1459 with tryptophan.
Molecular consequence: missense variant. On other transcripts: intron variant (5).
Genome position (GRCh38, 1-based): chrX:53,193,275, G>A on the plus strand (C>T on the coding strand, the complement: KDM5C is on the minus strand). VCF-style: chrX-53193275-G-A. GRCh37 (hg19) VCF-style: chrX-53222457-G-A.
Other names: c.4372C>T, p.Arg1458Trp (NM_001282622.3); c.4366C>T, p.Arg1456Trp (NM_001353978.3); c.4305+162C>T (NM_001353982.2); c.4314+162C>T (NM_001353979.2); c.4308+162C>T (NM_001353981.2, NM_001353984.2); c.4046+223C>T (NM_001146702.2); c.4375C>T (NM_004187.3); short protein forms R1456W, R1458W, R1459W.
Identifiers: ClinVar variation 4806582 (VCV004806582.2).